The following is an entry in ClinVar:

NM_001378477.3(NYX):c.620G>C (p.Ser207Thr)

Gene: NYX (nyctalopin; plus strand). Cytogenetic location: Xp11.4.
Variant type: single nucleotide variant.
Coding change: c.620G>C on transcript NM_001378477.3 (MANE Select); coding-DNA position 620, G replaced by C.
Protein change: p.Ser207Thr; replaces serine 207 with threonine.
Molecular consequence: missense variant.
Genome position (GRCh38, 1-based): chrX:41,474,088, G>C. VCF-style: chrX-41474088-G-C. GRCh37 (hg19) VCF-style: chrX-41333341-G-C.
Other names: c.620G>C, p.Ser207Thr (NM_022567.3); short protein forms S207T.
Identifiers: ClinVar variation 2103865 (VCV002103865.4), dbSNP rs2064376705, ClinGen allele CA412990924.

ClinVar aggregate classification (germline): Uncertain significance (1 of 4 stars; one submission).

Submission:

Labcorp Genetics (formerly Invitae), Labcorp
Classification: Uncertain significance. Last evaluated: 2022-05-12. Review status: criteria provided, single submitter. Criteria: Invitae Variant Classification Sherloc (09022015). Collection method: clinical testing. Allele origin: germline.
Comment: This variant has not been reported in the literature in individuals affected with NYX-related conditions. In summary, the available evidence is currently insufficient to determine the role of this variant in disease. Therefore, it has been classified as a Variant of Uncertain Significance. Algorithms developed to predict the effect of missense changes on protein structure and function (SIFT, PolyPhen-2, Align-GVGD) all suggest that this variant is likely to be tolerated. This variant is not present in population databases (gnomAD no frequency). This sequence change replaces serine, which is neutral and polar, with threonine, which is neutral and polar, at codon 212 of the NYX protein (p.Ser212Thr).